The following is an entry in ClinVar:

NM_001100913.3(PACS2):c.1139C>T (p.Pro380Leu)

Gene: PACS2 (phosphofurin acidic cluster sorting protein 2; plus strand). Cytogenetic location: 14q32.33.
Variant type: single nucleotide variant.
Coding change: c.1139C>T on transcript NM_001100913.3 (MANE Select); coding-DNA position 1139, C replaced by T.
Protein change: p.Pro380Leu; replaces proline 380 with leucine.
Molecular consequence: missense variant.
Genome position (GRCh38, 1-based): chr14:105,380,970, C>T. VCF-style: chr14-105380970-C-T. GRCh37 (hg19) VCF-style: chr14-105847307-C-T.
Other names: c.914C>T, p.Pro305Leu (NM_001243127.3); c.1139C>T, p.Pro380Leu (NM_015197.4); c.1139C>T (NM_001100913.2); short protein forms P305L, P380L.
Identifiers: ClinVar variation 1363451 (VCV001363451.33), dbSNP rs374328880, ClinGen allele CA7388732.

ClinVar aggregate classification (germline): Benign/Likely benign. Review status: criteria provided, multiple submitters, no conflicts (2 of 4 stars). 4 submissions from 4 submitters: Benign (1); Likely benign (3). Last evaluated 2026-01-19.

Conditions:
Inborn genetic diseases. Identifiers: MedGen C0950123, MeSH D030342.

Allele frequency attached by ClinVar (database versions not stated): gnomAD 0.00006 and 0.00010; gnomAD exomes 0.00006; TOPMed 0.00007; 1000 Genomes Project 0.00040; 1000 Genomes Project 30x 0.00047.
gnomAD v4.1: 107 of 1,611,016 alleles (0.0066%); highest among the groups gnomAD compares: Middle Eastern, 0.2%; 1 homozygote.

Submissions (4):

Labcorp Genetics (formerly Invitae), Labcorp
Classification: Benign. Last evaluated: 2026-01-19. Review status: criteria provided, single submitter. Criteria: Invitae Variant Classification Sherloc (09022015). Collection method: clinical testing. Allele origin: germline.

Blueprint Genetics
Classification: Likely benign. Last evaluated: 2024-06-06. Review status: criteria provided, single submitter. Criteria: ACMG Guidelines, 2015. Collection method: clinical testing. Allele origin: germline.

Ambry Genetics
Classification: Likely benign for Inborn genetic diseases. Last evaluated: 2024-01-22. Review status: criteria provided, single submitter. Criteria: Ambry Variant Classification Scheme 2023. Collection method: clinical testing. Allele origin: germline.

CeGaT Center for Human Genetics Tuebingen
Classification: Likely benign. Last evaluated: 2022-10-01. Review status: criteria provided, single submitter. Criteria: CeGaT Center For Human Genetics Tuebingen Variant Classification Criteria Version 2. Collection method: clinical testing. Allele origin: germline. Affected: yes. Observed: 1 variant allele.
Comment: PACS2: BP4, BS2